The following is an entry in ClinVar:

NM_001042492.3(NF1):c.1767A>G (p.Gln589=)

Gene: NF1 (neurofibromin 1; plus strand). Cytogenetic location: 17q11.2.
Variant type: single nucleotide variant.
Coding change: c.1767A>G on transcript NM_001042492.3 (MANE Select); coding-DNA position 1767, A replaced by G.
Protein change: p.Gln589=; no amino-acid change (glutamine 589 retained).
Molecular consequence: synonymous variant.
Genome position (GRCh38, 1-based): chr17:31,223,489, A>G. VCF-style: chr17-31223489-A-G. GRCh37 (hg19) VCF-style: chr17-29550507-A-G.
Other names: c.1767A>G, p.Gln589= (NM_000267.4).
Identifiers: ClinVar variation 1114860 (VCV001114860.10), dbSNP rs2144016279, ClinGen allele CA499229769.

ClinVar aggregate classification (germline): Benign/Likely benign. Review status: criteria provided, multiple submitters, no conflicts (2 of 4 stars). 3 submissions from 3 submitters: Benign (1); Likely benign (2). Last evaluated 2026-09-29.

Conditions:
Cardiovascular phenotype. Identifiers: MedGen CN230736.
Hereditary cancer-predisposing syndrome. Also called: Hereditary Cancer Syndrome; Hereditary neoplastic syndrome; Neoplastic Syndromes, Hereditary; Tumor predisposition. Identifiers: Orphanet 140162, MedGen C0027672, MeSH D009386, MONDO:0015356.
Neurofibromatosis, type 1 (NF1). Also called: Neurofibromatosis, type I; VON RECKLINGHAUSEN DISEASE; Peripheral type neurofibromatosis; NEUROFIBROMATOSIS, TYPE I, SOMATIC. Identifiers: Orphanet 636, MedGen C0027831, MONDO:0018975, OMIM 162200. Disease mechanism: loss of function.

Allele frequency attached by ClinVar (database versions not stated): gnomAD exomes below 0.00001.
gnomAD v4.1: 1 of 1,612,950 alleles (0.000062%); highest among the groups gnomAD compares: Non-Finnish European, 0.000085%; no homozygotes.

Submissions (3):

Myriad Genetics, Inc.
Classification: Benign for Neurofibromatosis, type 1. Last evaluated: 2026-09-29. Review status: criteria provided, single submitter. Criteria: Myriad Autosomal Dominant, Autosomal Recessive and X-Linked Classification Criteria (2023). Collection method: clinical testing. Allele origin: unknown.
Comment: This variant is considered benign. This variant is a silent/synonymous amino acid change and it is not expected to impact splicing.

Labcorp Genetics (formerly Invitae), Labcorp
Classification: Likely benign for Neurofibromatosis, type 1. Last evaluated: 2025-07-30. Review status: criteria provided, single submitter. Criteria: Invitae Variant Classification Sherloc (09022015). Collection method: clinical testing. Allele origin: germline.

Ambry Genetics
Classification: Likely benign for Cardiovascular phenotype; Hereditary cancer-predisposing syndrome. Last evaluated: 2021-07-22. Review status: criteria provided, single submitter. Criteria: Ambry Variant Classification Scheme 2023. Collection method: clinical testing. Allele origin: germline.